The following is an entry in ClinVar:

NM_001012339.3(DNAJC21):c.315+1G>T

Gene: DNAJC21 (DnaJ heat shock protein family (Hsp40) member C21; plus strand). Cytogenetic location: 5p13.2.
Variant type: single nucleotide variant.
Coding change: c.315+1G>T on transcript NM_001012339.3 (MANE Select); the canonical splice donor site of the intron after coding-DNA position 315, G replaced by T.
Molecular consequence: splice donor variant.
Genome position (GRCh38, 1-based): chr5:34,935,834, G>T. VCF-style: chr5-34935834-G-T. GRCh37 (hg19) VCF-style: chr5-34935939-G-T.
Other names: c.315+1G>T (NM_001348420.2, NM_194283.4).
Identifiers: ClinVar variation 2853285 (VCV002853285.3), dbSNP rs771409328, ClinGen allele CA116889257.

ClinVar aggregate classification (germline): Likely pathogenic (1 of 4 stars; one submission).

Submission:

Labcorp Genetics (formerly Invitae), Labcorp
Classification: Likely pathogenic. Last evaluated: 2023-04-07. Review status: criteria provided, single submitter. Criteria: Invitae Variant Classification Sherloc (09022015). Collection method: clinical testing. Allele origin: germline.
Comment: In summary, the currently available evidence indicates that the variant is pathogenic, but additional data are needed to prove that conclusively. Therefore, this variant has been classified as Likely Pathogenic. Algorithms developed to predict the effect of sequence changes on RNA splicing suggest that this variant may disrupt the consensus splice site. This variant has not been reported in the literature in individuals affected with DNAJC21-related conditions. This variant is not present in population databases (gnomAD no frequency). This sequence change affects a donor splice site in intron 3 of the DNAJC21 gene. It is expected to disrupt RNA splicing. Variants that disrupt the donor or acceptor splice site typically lead to a loss of protein function (PMID: 16199547), and loss-of-function variants in DNAJC21 are known to be pathogenic (PMID: 27346687, 28062395).

Literature cited by the submitters: PubMed 16199547; PubMed 27346687; PubMed 28062395.